The following is an entry in ClinVar:

ClinVar aggregate classification (germline): Pathogenic (1 of 4 stars; one submission).

Conditions:
Long QT syndrome (LQTS). Identifiers: MedGen C0023976, MeSH D008133, MONDO:0002442. Disease mechanism: loss of function. Inheritance: Various modes of inheritance.

Submission:

Labcorp Genetics (formerly Invitae), Labcorp
Classification: Pathogenic for Long QT syndrome. Last evaluated: 2024-07-10. Review status: criteria provided, single submitter. Criteria: Invitae Variant Classification Sherloc (09022015). Collection method: clinical testing. Allele origin: germline.
Comment: This sequence change creates a premature translational stop signal (p.Pro299Alafs*33) in the KCNH2 gene. It is expected to result in an absent or disrupted protein product. Loss-of-function variants in KCNH2 are known to be pathogenic (PMID: 10973849, 19862833). This variant is not present in population databases (gnomAD no frequency). This premature translational stop signal has been observed in individual(s) with clinical symptoms of KCNH2-related conditions (Invitae). For these reasons, this variant has been classified as Pathogenic.

Literature cited by the submitters: PubMed 10973849; PubMed 19862833.

NM_000238.4(KCNH2):c.893dup (p.Pro299fs)

Gene: KCNH2 (potassium voltage-gated channel subfamily H member 2; minus strand). Cytogenetic location: 7q36.1.
Variant type: Duplication.
Coding change: c.893dup on transcript NM_000238.4 (MANE Select); coding-DNA position 893, one base duplicated (C; older notation c.893dupC).
Protein change: p.Pro299fs; shifts the reading frame from proline 299.
Molecular consequence: frameshift variant. On other transcripts: non-coding transcript variant (1).
Genome position (GRCh38, 1-based): chr7:150,958,082, G duplicated on the plus strand (C on the coding strand, the reverse complement: KCNH2 is on the minus strand); the first of 5 consecutive G bases (chr7:150,958,082-150,958,086); duplicating any one gives the same sequence. VCF-style (leftmost placement, unchanged base first): chr7-150958081-C-CG. GRCh37 (hg19) VCF-style: chr7-150655169-C-CG.
Other names: c.605dup, p.Pro203fs (NM_001406753.1, NM_001406756.1); c.716dup, p.Pro240fs (NM_001406755.1); c.593dup, p.Pro199fs (NM_001406757.1); c.893dup, p.Pro299fs (NM_172056.3); short protein forms P203fs, P299fs, P199fs, P240fs.
Identifiers: ClinVar variation 3645049 (VCV003645049.2).